The following is an entry in ClinVar:

ClinVar aggregate classification (germline): Uncertain significance (1 of 4 stars; one submission).

Conditions:
Progressive myoclonic epilepsy. Also called: Myoclonic Epilepsies, Progressive; Progressive myoclonus epilepsy; Familial progressive myoclonic epilepsy; Myoclonus epilepsy. Identifiers: Orphanet 308, Orphanet 98261, MedGen C0751778, MONDO:0020074.

Submission:

Labcorp Genetics (formerly Invitae), Labcorp
Classification: Uncertain significance for Progressive myoclonic epilepsy. Last evaluated: 2022-08-16. Review status: criteria provided, single submitter. Criteria: Invitae Variant Classification Sherloc (09022015). Collection method: clinical testing. Allele origin: germline.
Comment: This sequence change replaces methionine, which is neutral and non-polar, with isoleucine, which is neutral and non-polar, at codon 217 of the EPM2A protein (p.Met217Ile). This variant is not present in population databases (gnomAD no frequency). This variant has not been reported in the literature in individuals affected with EPM2A-related conditions. ClinVar contains an entry for this variant (Variation ID: 1361125). Algorithms developed to predict the effect of missense changes on protein structure and function are either unavailable or do not agree on the potential impact of this missense change (SIFT: "Deleterious"; PolyPhen-2: "Benign"; Align-GVGD: "Class C0"). In summary, the available evidence is currently insufficient to determine the role of this variant in disease. Therefore, it has been classified as a Variant of Uncertain Significance.

NM_005670.4(EPM2A):c.651G>A (p.Met217Ile)

Gene: EPM2A (EPM2A glucan phosphatase, laforin; minus strand). Cytogenetic location: 6q24.3.
Variant type: single nucleotide variant.
Coding change: c.651G>A on transcript NM_005670.4 (MANE Select); coding-DNA position 651, G replaced by A.
Protein change: p.Met217Ile; replaces methionine 217 with isoleucine.
Molecular consequence: missense variant. On other transcripts: intron variant (1).
Genome position (GRCh38, 1-based): chr6:145,635,312, C>T on the plus strand (G>A on the coding strand, the complement: EPM2A is on the minus strand). VCF-style: chr6-145635312-C-T. GRCh37 (hg19) VCF-style: chr6-145956448-C-T.
Other names: c.651G>A, p.Met217Ile (NM_001018041.2, NM_001368130.1); c.237G>A, p.Met79Ile (NM_001360064.2, NM_001360071.2, NM_001368131.1); c.189G>A, p.Met63Ile (NM_001368129.2, NM_001368132.1); c.477-7619G>A (NM_001360057.2); short protein forms M217I, M63I, M79I.
Identifiers: ClinVar variation 1361125 (VCV001361125.8), dbSNP rs2128562483, ClinGen allele CA366191073.